The following is an entry in ClinVar:

NM_016148.5(SHANK1):c.3865G>A (p.Asp1289Asn)

Gene: SHANK1 (SH3 and multiple ankyrin repeat domains 1; minus strand). Cytogenetic location: 19q13.33.
Variant type: single nucleotide variant.
Coding change: c.3865G>A on transcript NM_016148.5 (MANE Select); coding-DNA position 3865, G replaced by A.
Protein change: p.Asp1289Asn; replaces aspartic acid 1289 with asparagine.
Molecular consequence: missense variant.
Genome position (GRCh38, 1-based): chr19:50,668,095, C>T on the plus strand (G>A on the coding strand, the complement: SHANK1 is on the minus strand). VCF-style: chr19-50668095-C-T. GRCh37 (hg19) VCF-style: chr19-51171352-C-T.
Other names: short protein forms D1289N.
Identifiers: ClinVar variation 1331586 (VCV001331586.4), dbSNP rs2123081059, ClinGen allele CA407015649.

ClinVar aggregate classification (germline): Uncertain significance (1 of 4 stars; one submission).

Allele frequency attached by ClinVar (database versions not stated): gnomAD exomes below 0.00001.
gnomAD v4.1: 2 of 1,480,494 alleles (0.00014%); highest among the groups gnomAD compares: African/African-American, 0.0029%; no homozygotes.

Submission:

Greenwood Genetic Center Diagnostic Laboratories, Greenwood Genetic Center
Classification: Uncertain significance. Last evaluated: 2021-02-16. Review status: criteria provided, single submitter. Criteria: ACMG Guidelines, 2015. Collection method: clinical testing. Allele origin: germline. Affected: yes.
Comment: PP2, PP3, PM2